The following is an entry in ClinVar:

ClinVar aggregate classification (germline): Uncertain significance (1 of 4 stars; one submission).

Submission:

Labcorp Genetics (formerly Invitae), Labcorp
Classification: Uncertain significance. Last evaluated: 2025-05-07. Review status: criteria provided, single submitter. Criteria: Invitae Variant Classification Sherloc (09022015). Collection method: clinical testing. Allele origin: germline.
Comment: This sequence change replaces proline, which is neutral and non-polar, with arginine, which is basic and polar, at codon 130 of the VAV1 protein (p.Pro130Arg). This variant is not present in population databases (gnomAD no frequency). This variant has not been reported in the literature in individuals affected with VAV1-related conditions. An algorithm developed to predict the effect of missense changes on protein structure and function (PolyPhen-2) suggests that this variant is likely to be disruptive. In summary, the available evidence is currently insufficient to determine the role of this variant in disease. Therefore, it has been classified as a Variant of Uncertain Significance.

NM_005428.4(VAV1):c.389C>G (p.Pro130Arg)

Gene: VAV1 (vav guanine nucleotide exchange factor 1; plus strand). Cytogenetic location: 19p13.3.
Variant type: single nucleotide variant.
Coding change: c.389C>G on transcript NM_005428.4 (MANE Select); coding-DNA position 389, C replaced by G.
Protein change: p.Pro130Arg; replaces proline 130 with arginine.
Molecular consequence: missense variant.
Genome position (GRCh38, 1-based): chr19:6,821,799, C>G. VCF-style: chr19-6821799-C-G. GRCh37 (hg19) VCF-style: chr19-6821810-C-G.
Other names: c.389C>G, p.Pro130Arg (NM_001258206.2, NM_001258207.2); short protein forms P130R.
Identifiers: ClinVar variation 4719183 (VCV004719183.1).